The following is an entry in ClinVar:

ClinVar aggregate classification (germline): Benign. Review status: criteria provided, multiple submitters, no conflicts (2 of 4 stars). 13 submissions from 13 submitters: Benign (11). 2 of the submissions do not count toward it. Last evaluated 2026-02-04.

Conditions:
Bailey-Bloch congenital myopathy (CMYO13). Also called: Congenital myopathy 13; STAC3 disorder; Native American myopathy. Identifiers: Orphanet 168572, MedGen C1850625, MONDO:0009722, OMIM 255995.
Autosomal recessive distal renal tubular acidosis. Identifiers: Orphanet 402041, MedGen C1864498, MONDO:0018440.

Allele frequency attached by ClinVar (database versions not stated): 1000 Genomes Project 30x 0.67864; 1000 Genomes Project 0.67951; gnomAD exomes 0.69303; TOPMed 0.70153; ExAC 0.70398; ESP Exome Variant Server 0.73220.
gnomAD v4.1: 1,157,285 of 1,612,452 alleles (72%); highest among the groups gnomAD compares: South Asian, 77%; 417,944 homozygotes.

Submissions (13):

Labcorp Genetics (formerly Invitae), Labcorp
Classification: Benign. Last evaluated: 2026-02-04. Review status: criteria provided, single submitter. Criteria: Invitae Variant Classification Sherloc (09022015). Collection method: clinical testing. Allele origin: germline.

Blueprint Genetics
Classification: Benign. Last evaluated: 2024-11-27. Review status: criteria provided, single submitter. Criteria: ACMG Guidelines, 2015. Collection method: clinical testing. Allele origin: germline.

Mayo Clinic Laboratories, Mayo Clinic
Classification: Benign. Last evaluated: 2022-09-23. Review status: criteria provided, single submitter. Criteria: ACMG Guidelines, 2015. Collection method: clinical testing. Allele origin: germline. Observed: 165 variant alleles.
Comment: BA1, BP4

Women's Health and Genetics/Laboratory Corporation of America, LabCorp
Classification: Benign. Last evaluated: 2021-12-03. Review status: criteria provided, single submitter. Criteria: LabCorp Variant Classification Summary - May 2015. Collection method: clinical testing. Allele origin: germline.

Genome-Nilou Lab
Classification: Benign for Renal tubular acidosis, distal, 3, with or without sensorineural hearing loss. Last evaluated: 2021-07-14. Review status: criteria provided, single submitter. Criteria: ACMG Guidelines, 2015. Collection method: clinical testing. Allele origin: germline. Affected: no.

GeneDx
Classification: Benign. Last evaluated: 2018-11-10. Review status: criteria provided, single submitter. Criteria: GeneDx Variant Classification Process June 2021. Collection method: clinical testing. Allele origin: germline. Affected: yes.
Comment: This variant is associated with the following publications: (PMID: 24564331, 27535533)

Illumina Laboratory Services, Illumina
Classification: Benign for Renal tubular acidosis, distal, 3, with or without sensorineural hearing loss. Last evaluated: 2018-01-12. Review status: criteria provided, single submitter. Criteria: ICSL Variant Classification Criteria 13 December 2019. Collection method: clinical testing. Allele origin: germline.
Comment: This variant was observed in the ICSL laboratory as part of a predisposition screen in an ostensibly healthy population. It had not been previously curated by ICSL or reported in the Human Gene Mutation Database (HGMD: prior to June 1st, 2018), and was therefore a candidate for classification through an automated scoring system. Utilizing variant allele frequency, disease prevalence and penetrance estimates, and inheritance mode, an automated score was calculated to assess if this variant is too frequent to cause the disease. Based on the score and internal cut-off values, a variant classified as benign is not then subjected to further curation. The score for this variant resulted in a classification of benign for this disease.

Laboratory for Molecular Medicine, Mass General Brigham Personalized Medicine
Classification: Benign. Last evaluated: 2016-03-21. Review status: criteria provided, single submitter. Criteria: LMM Criteria. Collection method: clinical testing. Allele origin: germline. Observed: 1 variant allele.
Comment: p.Val2Ala in exon 3 of ATP6V0A4: This variant is not expected to have clinical s ignificance because it has been identified in 77.42% (12784/16512) of South Asia n chromosomes by the Exome Aggregation Consortium (ExAC; dbSNP rs10258719).

Breakthrough Genomics
Classification: Benign. Review status: criteria provided, single submitter. Criteria: ACMG Guidelines, 2015. Collection method: not provided. Allele origin: germline. Inheritance: Autosomal recessive inheritance. Affected: yes.

Broad Center for Mendelian Genomics, Broad Institute of MIT and Harvard
Classification: Benign for Bailey-Bloch congenital myopathy. Review status: criteria provided, single submitter. Criteria: ACMG Guidelines, 2015. Collection method: research. Allele origin: germline. Inheritance: Autosomal recessive inheritance. Affected: yes.
Comment: However, this variant is classified as benign for autosomal recessive sensorineural hearing loss and distal renal tubular acidosis because it has been identified in >70% of chromosomes by ExAC.

PreventionGenetics, part of Exact Sciences
Classification: Benign. Review status: criteria provided, single submitter. Criteria: ACMG Guidelines, 2015. Collection method: clinical testing. Allele origin: germline.

Diagnostic Laboratory, Department of Genetics, University Medical Center Groningen
Classification: Benign. Review status: no assertion criteria provided. Collection method: clinical testing. Allele origin: germline. Affected: yes. Study: VKGL Data-share Consensus. Not counted in ClinVar's aggregate classification.

Joint Genome Diagnostic Labs from Nijmegen and Maastricht, Radboudumc and MUMC+
Classification: Benign. Review status: no assertion criteria provided. Collection method: clinical testing. Allele origin: germline. Affected: yes. Study: VKGL Data-share Consensus. Not counted in ClinVar's aggregate classification.

NM_020632.3(ATP6V0A4):c.5T>C (p.Val2Ala)

Gene: ATP6V0A4 (ATPase H+ transporting V0 subunit a4; minus strand). Cytogenetic location: 7q34.
Variant type: single nucleotide variant.
Coding change: c.5T>C on transcript NM_020632.3 (MANE Select); coding-DNA position 5, T replaced by C.
Protein change: p.Val2Ala; replaces valine 2 with alanine.
Molecular consequence: missense variant.
Genome position (GRCh38, 1-based): chr7:138,771,243, A>G on the plus strand (T>C on the coding strand, the complement: ATP6V0A4 is on the minus strand). VCF-style: chr7-138771243-A-G. GRCh37 (hg19) VCF-style: chr7-138455988-A-G.
Other names: c.5T>C, p.Val2Ala (NM_130840.3, NM_130841.3); short protein forms V2A.
Identifiers: ClinVar variation 261345 (VCV000261345.28), dbSNP rs10258719, ClinGen allele CA4505278.